The following is an entry in ClinVar:

ClinVar aggregate classification (germline): Pathogenic (1 of 4 stars; one submission).

Conditions:
Primary ciliary dyskinesia. Also called: Ciliary dyskinesia. Identifiers: Orphanet 244, MedGen C0008780, MONDO:0016575, HP:0012265.

Submission:

Labcorp Genetics (formerly Invitae), Labcorp
Classification: Pathogenic for Primary ciliary dyskinesia. Last evaluated: 2023-04-28. Review status: criteria provided, single submitter. Criteria: Invitae Variant Classification Sherloc (09022015). Collection method: clinical testing. Allele origin: germline.
Comment: This sequence change creates a premature translational stop signal (p.Cys3704*) in the DNAH11 gene. It is expected to result in an absent or disrupted protein product. Loss-of-function variants in DNAH11 are known to be pathogenic (PMID: 18022865, 20513915, 22184204). For these reasons, this variant has been classified as Pathogenic. This variant has not been reported in the literature in individuals affected with DNAH11-related conditions. This variant is not present in population databases (gnomAD no frequency).

Literature cited by the submitters: PubMed 18022865; PubMed 20513915; PubMed 22184204.

NM_001277115.2(DNAH11):c.11112T>A (p.Cys3704Ter)

Gene: DNAH11 (dynein axonemal heavy chain 11; plus strand). Cytogenetic location: 7p15.3.
Variant type: single nucleotide variant.
Coding change: c.11112T>A on transcript NM_001277115.2 (MANE Select); coding-DNA position 11112, T replaced by A.
Protein change: p.Cys3704Ter; replaces cysteine 3704 with a stop codon.
Molecular consequence: nonsense.
Genome position (GRCh38, 1-based): chr7:21,854,365, T>A. VCF-style: chr7-21854365-T-A. GRCh37 (hg19) VCF-style: chr7-21893983-T-A.
Other names: c.11133T>A, p.Cys3711Ter (NM_003777.3); short protein forms C3711*, C3704*.
Identifiers: ClinVar variation 2856525 (VCV002856525.3), dbSNP rs2535470241, ClinGen allele CA366959916.